The following is an entry in ClinVar:

ClinVar aggregate classification (germline): Uncertain significance. Review status: criteria provided, multiple submitters, no conflicts (2 of 4 stars). 4 submissions from 4 submitters: Uncertain significance (4). Last evaluated 2025-03-13.

Conditions:
LEOPARD syndrome 3 (LPRD3). Identifiers: Orphanet 500, MedGen C3150971, MONDO:0013380, OMIM 613707.
Noonan syndrome 7 (NS7). Also called: BRAF-Related Noonan Syndrome. Identifiers: Orphanet 648, MedGen C3150970, MONDO:0013379, OMIM 613706.
Cardiofaciocutaneous syndrome 1 (CFC1). Also called: BRAF-Related Cardiofaciocutaneous Syndrome. Identifiers: Orphanet 1340, MedGen CN029449, MONDO:0007265, OMIM 115150. Disease mechanism: gain of function.
Colorectal cancer. Also called: Colorectal cancer, somatic; Malignant Colorectal Neoplasm. Identifiers: MedGen C0346629, MONDO:0005575, OMIM 114500.
Noonan syndrome 1 (NS1). Also called: FEMALE PSEUDO-TURNER SYNDROME; TURNER PHENOTYPE WITH NORMAL KARYOTYPE; PTPN11-Related Noonan Syndrome. Identifiers: Orphanet 648, MedGen C4551602, MONDO:0008104, OMIM 163950. Disease mechanism: gain of function.
Lung cancer. Also called: Lung cancer, somatic; Malignant tumor of lung. Identifiers: MedGen C0242379, MONDO:0008903, OMIM 211980.
Melanoma, cutaneous malignant, susceptibility to, 1 (CMM1). Also called: MELANOMA, MALIGNANT; B-K MOLE SYNDROME; DYSPLASTIC NEVUS SYNDROME, HEREDITARY; FAMILIAL ATYPICAL MOLE-MALIGNANT MELANOMA SYNDROME. Identifiers: Orphanet 618, MedGen C1835047, MONDO:0007963, OMIM 155600.
Cardiovascular phenotype. Identifiers: MedGen CN230736.
RASopathy. Also called: rasopathies; Noonan spectrum disorder. Identifiers: Orphanet 536391, MedGen C5555857, MONDO:0021060.

Allele frequency attached by ClinVar (database versions not stated): gnomAD 0.00001; TOPMed 0.00001.
gnomAD v4.1: 3 of 1,530,144 alleles (0.0002%); highest among the groups gnomAD compares: Non-Finnish European, 0.00026%; no homozygotes.

Submissions (4):

Labcorp Genetics (formerly Invitae), Labcorp
Classification: Uncertain significance for RASopathy. Last evaluated: 2025-03-13. Review status: criteria provided, single submitter. Criteria: Invitae Variant Classification Sherloc (09022015). Collection method: clinical testing. Allele origin: germline.
Comment: This sequence change replaces alanine, which is neutral and non-polar, with proline, which is neutral and non-polar, at codon 38 of the BRAF protein (p.Ala38Pro). This variant is not present in population databases (gnomAD no frequency). This variant has not been reported in the literature in individuals affected with BRAF-related conditions. ClinVar contains an entry for this variant (Variation ID: 1047782). Invitae Evidence Modeling of protein sequence and biophysical properties (such as structural, functional, and spatial information, amino acid conservation, physicochemical variation, residue mobility, and thermodynamic stability) indicates that this missense variant is not expected to disrupt BRAF protein function with a negative predictive value of 95%. In summary, the available evidence is currently insufficient to determine the role of this variant in disease. Therefore, it has been classified as a Variant of Uncertain Significance.

Mayo Clinic Laboratories, Mayo Clinic
Classification: Uncertain significance. Last evaluated: 2024-06-04. Review status: criteria provided, single submitter. Criteria: ACMG Guidelines, 2015. Collection method: clinical testing. Allele origin: germline. Observed: 1 variant allele.
Comment: BP4, PP2, PM2

Ambry Genetics
Classification: Uncertain significance for Cardiovascular phenotype. Last evaluated: 2022-03-30. Review status: criteria provided, single submitter. Criteria: Ambry Variant Classification Scheme 2023. Collection method: clinical testing. Allele origin: germline.
Comment: The p.A38P variant (also known as c.112G>C), located in coding exon 1 of the BRAF gene, results from a G to C substitution at nucleotide position 112. The alanine at codon 38 is replaced by proline, an amino acid with highly similar properties. This amino acid position is conserved. In addition, the in silico prediction for this alteration is inconclusive. Since supporting evidence is limited at this time, the clinical significance of this alteration remains unclear.

Fulgent Genetics
Classification: Uncertain significance for Colorectal cancer; Cardiofaciocutaneous syndrome 1; Melanoma, cutaneous malignant, susceptibility to, 1; Noonan syndrome 1; Lung cancer; Noonan syndrome 7; LEOPARD syndrome 3. Last evaluated: 2021-11-15. Review status: criteria provided, single submitter. Criteria: ACMG Guidelines, 2015. Collection method: clinical testing. Allele origin: unknown.

NM_004333.6(BRAF):c.112G>C (p.Ala38Pro)

Gene: BRAF (B-Raf proto-oncogene, serine/threonine kinase; minus strand). Cytogenetic location: 7q34.
Variant type: single nucleotide variant.
Coding change: c.112G>C on transcript NM_004333.6 (MANE Select); coding-DNA position 112, G replaced by C.
Protein change: p.Ala38Pro; replaces alanine 38 with proline.
Molecular consequence: missense variant.
Genome position (GRCh38, 1-based): chr7:140,924,592, C>G on the plus strand (G>C on the coding strand, the complement: BRAF is on the minus strand). VCF-style: chr7-140924592-C-G. GRCh37 (hg19) VCF-style: chr7-140624392-C-G.
Other names: p.Ala38Pro; c.112G>C, p.Ala38Pro (NM_001378471.1, NM_001378474.1, NM_001378475.1 and 7 more transcripts); short protein forms A38P.
Identifiers: ClinVar variation 1047782 (VCV001047782.13), dbSNP rs1011563467, ClinGen allele CA168218467.